The following is an entry in ClinVar:

ClinVar aggregate classification (germline): Benign/Likely benign. Review status: criteria provided, multiple submitters, no conflicts (2 of 4 stars). 9 submissions from 9 submitters: Benign (4); Likely benign (4). 1 of the submissions does not count toward it. Last evaluated 2026-01-23.

Conditions:
Autoinflammatory syndrome. Identifiers: Orphanet 93665, MedGen C3890737, MONDO:0019751.
Familial cold autoinflammatory syndrome 2 (FCAS2). Identifiers: Orphanet 247868, MedGen C2673198, MONDO:0012724, OMIM 611762.

Allele frequency attached by ClinVar (database versions not stated): TOPMed 0.00275; 1000 Genomes Project 30x 0.00297; gnomAD exomes 0.00056; ExAC 0.00071; 1000 Genomes Project 0.00220; gnomAD 0.00255 and 0.00265; ESP Exome Variant Server 0.00261.
gnomAD v4.1: 781 of 1,613,790 alleles (0.048%); highest among the groups gnomAD compares: African/African-American, 0.9%; 3 homozygotes.

Submissions (9):

Women's Health and Genetics/Laboratory Corporation of America, LabCorp
Classification: Likely benign. Last evaluated: 2026-01-23. Review status: criteria provided, single submitter. Criteria: LabCorp Variant Classification Summary - May 2015. Collection method: clinical testing. Allele origin: germline.

Labcorp Genetics (formerly Invitae), Labcorp
Classification: Benign for Familial cold autoinflammatory syndrome 2. Last evaluated: 2025-12-25. Review status: criteria provided, single submitter. Criteria: Invitae Variant Classification Sherloc (09022015). Collection method: clinical testing. Allele origin: germline.

Blueprint Genetics
Classification: Likely benign. Last evaluated: 2024-07-04. Review status: criteria provided, single submitter. Criteria: ACMG Guidelines, 2015. Collection method: clinical testing. Allele origin: germline.

CeGaT Center for Human Genetics Tuebingen
Classification: Benign. Last evaluated: 2022-04-01. Review status: criteria provided, single submitter. Criteria: CeGaT Center For Human Genetics Tuebingen Variant Classification Criteria Version 2. Collection method: clinical testing. Allele origin: germline. Affected: yes. Observed: 1 variant allele.
Comment: NLRP12: BS1, BS2

ARUP Laboratories, Molecular Genetics and Genomics, ARUP Laboratories
Classification: Likely benign for Familial cold autoinflammatory syndrome 2. Last evaluated: 2021-09-18. Review status: criteria provided, single submitter. Criteria: ARUP Molecular Germline Variant Investigation Process 2021. Collection method: clinical testing. Allele origin: germline.

Genome Diagnostics Laboratory, The Hospital for Sick Children
Classification: Likely benign for Autoinflammatory syndrome. Last evaluated: 2021-07-02. Review status: criteria provided, single submitter. Criteria: ACMG Guidelines, 2015. Collection method: clinical testing. Allele origin: germline. Affected: yes.

Illumina Laboratory Services, Illumina
Classification: Benign for Familial cold autoinflammatory syndrome 2. Last evaluated: 2018-01-13. Review status: criteria provided, single submitter. Criteria: ICSL Variant Classification Criteria 13 December 2019. Collection method: clinical testing. Allele origin: germline.
Comment: This variant was observed in the ICSL laboratory as part of a predisposition screen in an ostensibly healthy population. It had not been previously curated by ICSL or reported in the Human Gene Mutation Database (HGMD: prior to June 1st, 2018), and was therefore a candidate for classification through an automated scoring system. Utilizing variant allele frequency, disease prevalence and penetrance estimates, and inheritance mode, an automated score was calculated to assess if this variant is too frequent to cause the disease. Based on the score and internal cut-off values, a variant classified as benign is not then subjected to further curation. The score for this variant resulted in a classification of benign for this disease.

PreventionGenetics, part of Exact Sciences
Classification: Benign. Review status: criteria provided, single submitter. Criteria: ACMG Guidelines, 2015. Collection method: clinical testing. Allele origin: germline.

Unité médicale des maladies autoinflammatoires, CHRU Montpellier
No classification provided. Review status: no classification provided. Collection method: not provided. Allele origin: unknown. Not counted in ClinVar's aggregate classification.

NM_144687.4(NLRP12):c.2701G>C (p.Val901Leu)

Gene: NLRP12 (NLR family pyrin domain containing 12; minus strand). Cytogenetic location: 19q13.42.
Variant type: single nucleotide variant.
Coding change: c.2701G>C on transcript NM_144687.4 (MANE Select); coding-DNA position 2701, G replaced by C.
Protein change: p.Val901Leu; replaces valine 901 with leucine.
Molecular consequence: missense variant.
Genome position (GRCh38, 1-based): chr19:53,801,282, C>G on the plus strand (G>C on the coding strand, the complement: NLRP12 is on the minus strand). VCF-style: chr19-53801282-C-G. GRCh37 (hg19) VCF-style: chr19-54304536-C-G.
Other names: c.2704G>C, p.Val902Leu (NM_001277126.2); c.2701G>C, p.Val901Leu (NM_001277129.1); short protein forms V901L, V902L.
Identifiers: ClinVar variation 97889 (VCV000097889.50), dbSNP rs104895568, ClinGen allele CA224934.